The following is an entry in ClinVar:

NM_002439.5(MSH3):c.358+1del

Gene: MSH3 (mutS homolog 3; plus strand). Cytogenetic location: 5q14.1.
Variant type: Deletion.
Coding change: c.358+1del on transcript NM_002439.5 (MANE Select); the canonical splice donor site of the intron after coding-DNA position 358, one base deleted (G; older notation c.358+1delG).
Molecular consequence: splice donor variant.
Genome position (GRCh38, 1-based): chr5:80,656,532, G deleted; the last of 2 consecutive G bases (chr5:80,656,531-80,656,532); deleting either gives the same sequence. VCF-style (leftmost placement, unchanged base first): chr5-80656530-TG-T. GRCh37 (hg19) VCF-style: chr5-79952349-TG-T.
Identifiers: ClinVar variation 3874943 (VCV003874943.1).

ClinVar aggregate classification (germline): Likely pathogenic (1 of 4 stars; one submission).

Conditions:
Hereditary cancer-predisposing syndrome. Also called: Tumor predisposition; Neoplastic Syndromes, Hereditary; Hereditary Cancer Syndrome; Hereditary neoplastic syndrome. Identifiers: Orphanet 140162, MedGen C0027672, MeSH D009386, MONDO:0015356.

Submission:

Ambry Genetics
Classification: Likely pathogenic for Hereditary cancer-predisposing syndrome. Last evaluated: 2024-12-17. Review status: criteria provided, single submitter. Criteria: Ambry Variant Classification Scheme 2023. Collection method: clinical testing. Allele origin: germline.
Comment: The c.358+1delG intronic variant, located in intron 2 of the MSH3 gene, results from a deletion of one nucleotide within intron 2 of the MSH3 gene. This variant is considered to be rare based on population cohorts in the Genome Aggregation Database (gnomAD). This nucleotide position is highly conserved in available vertebrate species. In silico splice site analysis predicts that this alteration will weaken the native splice donor site and will result in the creation or strengthening of a novel splice donor site. Alterations that disrupt the canonical splice site are expected to cause aberrant splicing, resulting in an abnormal protein or a transcript that is subject to nonsense-mediated mRNA decay. As such, this alteration is classified as likely pathogenic.